The following is an entry in ClinVar:

ClinVar aggregate classification (germline): Likely benign (1 of 4 stars; one submission).

Submission:

CeGaT Center for Human Genetics Tuebingen
Classification: Likely benign. Last evaluated: 2026-06-01. Review status: criteria provided, single submitter. Criteria: CeGaT Center For Human Genetics Tuebingen Variant Classification Criteria Version 2. Collection method: clinical testing. Allele origin: germline. Affected: yes. Observed: 2 variant alleles.
Comment: FLI1: PM2:Supporting, BP4, BP7

NM_002017.5(FLI1):c.105T>G (p.Thr35=)

Gene: FLI1 (Fli-1 proto-oncogene, ETS transcription factor; plus strand). Cytogenetic location: 11q24.3.
Variant type: single nucleotide variant.
Coding change: c.105T>G on transcript NM_002017.5 (MANE Select); coding-DNA position 105, T replaced by G.
Protein change: p.Thr35=; no amino-acid change (threonine 35 retained).
Molecular consequence: synonymous variant. On other transcripts: 5 prime UTR variant (2).
Genome position (GRCh38, 1-based): chr11:128,758,201, T>G. VCF-style: chr11-128758201-T-G. GRCh37 (hg19) VCF-style: chr11-128628096-T-G.
Other names: c.6T>G, p.Thr2= (NM_001167681.3); c.-265T>G (NM_001271010.2); c.-116T>G (NM_001271012.2).
Identifiers: ClinVar variation 2672487 (VCV002672487.23), dbSNP rs1412645415, ClinGen allele CA477524817.